The following is an entry in ClinVar:

ClinVar aggregate classification (germline): Uncertain significance (1 of 4 stars; one submission).

gnomAD v4.1: 2 of 1,614,038 alleles (0.00012%); highest among the groups gnomAD compares: Non-Finnish European, 0.000085%; no homozygotes.

Submission:

GeneDx
Classification: Uncertain significance. Last evaluated: 2022-04-20. Review status: criteria provided, single submitter. Criteria: GeneDx Variant Classification Process June 2021. Collection method: clinical testing. Allele origin: germline. Affected: yes.
Comment: Has not been previously published as pathogenic or benign to our knowledge; In silico analysis supports that this missense variant does not alter protein structure/function; Not observed at significant frequency in large population cohorts (gnomAD)

NM_000226.4(KRT9):c.1275C>A (p.Asp425Glu)

Gene: KRT9 (keratin 9; minus strand). Cytogenetic location: 17q21.2.
Variant type: single nucleotide variant.
Coding change: c.1275C>A on transcript NM_000226.4 (MANE Select); coding-DNA position 1275, C replaced by A.
Protein change: p.Asp425Glu; replaces aspartic acid 425 with glutamic acid.
Molecular consequence: missense variant.
Genome position (GRCh38, 1-based): chr17:41,568,281, G>T on the plus strand (C>A on the coding strand, the complement: KRT9 is on the minus strand). VCF-style: chr17-41568281-G-T. GRCh37 (hg19) VCF-style: chr17-39724533-G-T.
Other names: short protein forms D425E.
Identifiers: ClinVar variation 1712161 (VCV001712161.2), dbSNP rs781603266, ClinGen allele CA399494659.